The following is an entry in ClinVar:

NM_015072.5(TTLL5):c.2251C>G (p.Gln751Glu)

Gene: TTLL5 (tubulin tyrosine ligase like 5; plus strand). Cytogenetic location: 14q24.3.
Variant type: single nucleotide variant.
Coding change: c.2251C>G on transcript NM_015072.5 (MANE Select); coding-DNA position 2251, C replaced by G.
Protein change: p.Gln751Glu; replaces glutamine 751 with glutamic acid.
Molecular consequence: missense variant.
Genome position (GRCh38, 1-based): chr14:75,775,598, C>G. VCF-style: chr14-75775598-C-G. GRCh37 (hg19) VCF-style: chr14-76241941-C-G.
Other names: short protein forms Q751E.
Identifiers: ClinVar variation 3812149 (VCV003812149.2).
Genomic context (GRCh38, chr14:75,775,598, plus strand): 5'-AGGATGGTATTACCCAGTCGACGATTGGCACTTCTGGAACGCAGAAGAATCCTGGCCCAC[C>G]AGCTGGGTGACTTTATCATTGTATACAACAAGGTAAGTCTTTTTCTGTTAGTCTTGTGCT-3'
Protein context (NP_055887.3, residues 741-761): LLERRRILAH[Gln751Glu]LGDFIIVYNK

ClinVar aggregate classification (germline): Uncertain significance. Review status: criteria provided, multiple submitters, no conflicts (2 of 4 stars). 2 submissions from 2 submitters: Uncertain significance (2). Last evaluated 2026-03-17.

Conditions:
TTLL5-related disorder. Also called: TTLL5-related condition.
Inborn genetic diseases. Identifiers: MedGen C0950123, MeSH D030342.

gnomAD v4.1: 30 of 1,613,954 alleles (0.0019%); highest among the groups gnomAD compares: Non-Finnish European, 0.0025%; no homozygotes.

Submissions (2):

PreventionGenetics, part of Exact Sciences
Classification: Uncertain significance for TTLL5-related condition. Last evaluated: 2026-03-17. Review status: criteria provided, single submitter. Criteria: ACMG Guidelines, 2015. Collection method: clinical testing. Allele origin: germline.
Comment: The TTLL5 c.2251C>G variant is predicted to result in the amino acid substitution p.Gln751Glu. To our knowledge, this variant has not been reported in the literature. This variant is present in 0.0018% of alleles in individuals of European (Non-Finnish) descent in gnomAD. At this time, the clinical significance of this variant is uncertain due to the absence of conclusive functional and genetic evidence.

Ambry Genetics
Classification: Uncertain significance for Inborn genetic diseases. Last evaluated: 2024-12-30. Review status: criteria provided, single submitter. Criteria: Ambry Variant Classification Scheme 2023. Collection method: clinical testing. Allele origin: germline.